The following is an entry in ClinVar:

NM_022367.4(SEMA4A):c.43G>T (p.Gly15Cys)

Genes: SEMA4A (semaphorin 4A; plus strand), LOC129931603 (ATAC-STARR-seq lymphoblastoid active region 1849; plus strand). Cytogenetic location: 1q22.
Variant type: single nucleotide variant.
Coding change: c.43G>T on transcript NM_022367.4 (MANE Select); coding-DNA position 43, G replaced by T.
Protein change: p.Gly15Cys; replaces glycine 15 with cysteine.
Molecular consequence: missense variant. On other transcripts: 5 prime UTR variant (1), intron variant (3).
Genome position (GRCh38, 1-based): chr1:156,154,621, G>T. VCF-style: chr1-156154621-G-T. GRCh37 (hg19) VCF-style: chr1-156124412-G-T.
Other names: c.43G>T, p.Gly15Cys (NM_001193300.2, NM_001193301.2, NM_001370567.1); c.-482G>T (NM_001370571.1); c.-385-1793G>T (NM_001370569.1); c.-158-1793G>T (NM_001370568.1); c.-159+857G>T (NM_001193302.2); short protein forms G15C.
Identifiers: ClinVar variation 1720220 (VCV001720220.6), dbSNP rs2528101773, ClinGen allele CA342833860.

ClinVar aggregate classification (germline): Uncertain significance (1 of 4 stars; one submission).

Submission:

Labcorp Genetics (formerly Invitae), Labcorp
Classification: Uncertain significance. Last evaluated: 2022-09-23. Review status: criteria provided, single submitter. Criteria: Invitae Variant Classification Sherloc (09022015). Collection method: clinical testing. Allele origin: germline.
Comment: Algorithms developed to predict the effect of missense changes on protein structure and function (SIFT, PolyPhen-2, Align-GVGD) all suggest that this variant is likely to be tolerated. In summary, the available evidence is currently insufficient to determine the role of this variant in disease. Therefore, it has been classified as a Variant of Uncertain Significance. This variant has not been reported in the literature in individuals affected with SEMA4A-related conditions. This variant is not present in population databases (gnomAD no frequency). This sequence change replaces glycine, which is neutral and non-polar, with cysteine, which is neutral and slightly polar, at codon 15 of the SEMA4A protein (p.Gly15Cys).